The following is an entry in ClinVar:

NM_004360.5(CDH1):c.833-476_1138-463del

Gene: CDH1 (cadherin 1; plus strand). Cytogenetic location: 16q22.1.
Variant type: Deletion.
Coding change: c.833-476_1138-463del on transcript NM_004360.5 (MANE Select); 476 bases into the intron before coding-DNA position 833 through 463 bases into the intron before coding-DNA position 1138, 1,643 bases deleted.
Molecular consequence: splice acceptor variant, splice donor variant.
Genome position (GRCh38, 1-based): chr16:68,811,208-68,812,850, 1,643 bases deleted. GRCh37 (hg19): chr16:68,845,111-68,846,753.
Other names: c.-987-476_-682-463del (NM_001317186.2); c.833-476_1137+587del (NM_001317184.2); c.-783-476_-478-463del (NM_001317185.2).
Identifiers: ClinVar variation 2502928 (VCV002502928.1), ClinGen allele CA2580612869.

ClinVar aggregate classification (germline): Likely pathogenic (1 of 4 stars; one submission).

Conditions:
Hereditary diffuse gastric adenocarcinoma (HDGC). Also called: DIFFUSE GASTRIC AND LOBULAR BREAST CANCER SYNDROME. Identifiers: Orphanet 26106, MedGen C1708349, MONDO:0007648, OMIM 137215.

Submission:

European Reference Network on Genetic Tumour Risk Syndromes (ERN-GENTURIS), i3s - Instituto de Investigação e Inovação em Saúde, University of Porto
Classification: Likely pathogenic for Hereditary diffuse gastric adenocarcinoma. Last evaluated: 2022-08-01. Review status: criteria provided, single submitter. Criteria: Lee et al. (Hum Mutat. 2018). Collection method: clinical testing. Allele origin: germline. Inheritance: Autosomal dominant inheritance. Affected: no. Study: ERN GENTURIS.
Comment: PVS1; PM2 (PMID: 30311375)

Literature cited by the submitters: PubMed 36436516; PubMed 24493355.